The following is an entry in ClinVar:

NM_001754.5(RUNX1):c.822A>G (p.Gln274=)

Gene: RUNX1 (RUNX family transcription factor 1; minus strand). Cytogenetic location: 21q22.12.
Variant type: single nucleotide variant.
Coding change: c.822A>G on transcript NM_001754.5 (MANE Select); coding-DNA position 822, A replaced by G.
Protein change: p.Gln274=; no amino-acid change (glutamine 274 retained).
Molecular consequence: synonymous variant.
Genome position (GRCh38, 1-based): chr21:34,799,446, T>C on the plus strand (A>G on the coding strand, the complement: RUNX1 is on the minus strand). VCF-style: chr21-34799446-T-C. GRCh37 (hg19) VCF-style: chr21-36171743-T-C.
Other names: NM_001754.5(RUNX1):c.822A>G; p.Gln274=; c.822A>G (NM_001754.4); c.741A>G, p.Gln247= (NM_001001890.3).
Identifiers: ClinVar variation 1144056 (VCV001144056.14), dbSNP rs370766377, ClinGen allele CA512232284.
Genomic context (GRCh38, chr21:34,799,446, plus strand): 5'-AGGAGAGGCAATGGATCCCAGGTATTGGTAGGACTGATCGTAGGACCACGGTGGGGATGG[T>C]TGGATCTGCCTTGTATCTGAAGAGAATCAGAAAGGTCAATTATATGTAAAGTGGGGTGGG-3'
Protein context (NP_001745.2, residues 264-284): QSQMQDTRQI[Gln274=]PSPPWSYDQS

ClinVar aggregate classification (germline): Likely benign. Review status: reviewed by expert panel (3 of 4 stars). 3 submissions from 3 submitters: Likely benign (1). 2 of the submissions do not count toward it. Last evaluated 2026-04-29.

Conditions:
Hereditary thrombocytopenia and hematological cancer predisposition syndrome associated with RUNX1. Also called: Familial Platelet Disorder with Propensity to Acute Myelogenous Leukemia; Familial thrombocytopenia with propensity to acute myelogenous leukemia; PLATELET DISORDER, ASPIRIN-LIKE; RUNX1 Familial Platelet Disorder with Associated Myeloid Malignancies. Identifiers: Orphanet 71290, MedGen C1832388, MeSH C563324, MONDO:0100083, OMIM 601399.
Hereditary thrombocytopenia and hematologic cancer predisposition syndrome. Identifiers: Orphanet 71290, MedGen CN281654, MONDO:0011071.
Inborn genetic diseases. Identifiers: MedGen C0950123, MeSH D030342.

gnomAD v4.1: 3 of 1,614,144 alleles (0.00019%); highest among the groups gnomAD compares: Non-Finnish European, 0.00025%; no homozygotes.

Submissions (3):

ClinGen Myeloid Malignancy Variant Curation Expert Panel
Classification: Likely benign for Hereditary thrombocytopenia and hematologic cancer predisposition syndrome. Last evaluated: 2026-04-29. Review status: reviewed by expert panel. Criteria: ClinGen MyeloMalig ACMG Specifications V3.1. Collection method: curation. Allele origin: germline. Inheritance: Autosomal dominant inheritance.
Comment: NM_001754.5(RUNX1):c.822A>G (p.Gln274=) is a synonymous variant which has a SpliceAI score ≤ 0.20 (0.01) (BP4, BP7). This variant has a MAF ≤ 0.00005 in gnomAD v4 across all subpopulations with at least 20X coverage for RUNX1 (PM2_supporting). In summary, this variant meets criteria to be classified as likely benign. ACMG/AMP criteria applied, as specified by the Myeloid Malignancy Variant Curation Expert Panel for RUNX1: BP4, BP7, PM2_supporting.

Ambry Genetics
Classification: Likely benign for Inborn genetic diseases. Last evaluated: 2025-04-12. Review status: criteria provided, single submitter. Criteria: Ambry Variant Classification Scheme 2023. Collection method: clinical testing. Allele origin: germline. Not counted in ClinVar's aggregate classification.

Labcorp Genetics (formerly Invitae), Labcorp
Classification: Likely benign for Hereditary thrombocytopenia and hematological cancer predisposition syndrome associated with RUNX1. Last evaluated: 2019-03-12. Review status: criteria provided, single submitter. Criteria: Invitae Variant Classification Sherloc (09022015). Collection method: clinical testing. Allele origin: germline. Not counted in ClinVar's aggregate classification.